The following is an entry in ClinVar:

NM_030662.4(MAP2K2):c.158G>A (p.Arg53Gln)

Gene: MAP2K2 (mitogen-activated protein kinase kinase 2; minus strand). Cytogenetic location: 19p13.3.
Variant type: single nucleotide variant.
Coding change: c.158G>A on transcript NM_030662.4 (MANE Select); coding-DNA position 158, G replaced by A.
Protein change: p.Arg53Gln; replaces arginine 53 with glutamine.
Molecular consequence: missense variant.
Genome position (GRCh38, 1-based): chr19:4,117,564, C>T on the plus strand (G>A on the coding strand, the complement: MAP2K2 is on the minus strand). VCF-style: chr19-4117564-C-T. GRCh37 (hg19) VCF-style: chr19-4117562-C-T.
Other names: short protein forms R53Q.
Identifiers: ClinVar variation 2048201 (VCV002048201.8), dbSNP rs1323923681, ClinGen allele CA403392773.

ClinVar aggregate classification (germline): Conflicting classifications of pathogenicity. Review status: criteria provided, conflicting classifications (1 of 4 stars). 2 submissions from 2 submitters: Likely pathogenic (1); Uncertain significance (1). Last evaluated 2025-05-27.

Conditions:
Cardiofaciocutaneous syndrome 4 (CFC4). Also called: MAP2K2-Related Cardiofaciocutaneous Syndrome. Identifiers: Orphanet 1340, MedGen C3809007, MONDO:0014114, OMIM 615280.
RASopathy. Also called: rasopathies; Noonan spectrum disorder. Identifiers: Orphanet 536391, MedGen C5555857, MONDO:0021060.

Allele frequency attached by ClinVar (database versions not stated): gnomAD exomes below 0.00001.
gnomAD v4.1: 2 of 1,614,174 alleles (0.00012%); highest among the groups gnomAD compares: East Asian, 0.0022%; no homozygotes.

Submissions (2):

GeneDx
Classification: Likely pathogenic. Last evaluated: 2025-05-27. Review status: criteria provided, single submitter. Criteria: GeneDx Variant Classification Process June 2021. Collection method: clinical testing. Allele origin: germline. Affected: yes.
Comment: Not observed at significant frequency in large population cohorts (gnomAD); Missense variants in this gene are a common cause of disease and they are underrepresented in the general population; In silico analysis supports that this missense variant has a deleterious effect on protein structure/function; Has not been previously published as pathogenic or benign to our knowledge; This variant is associated with the following publications: (PMID: 25370473, 22753777, 19156172, 26399658, 22177953, 29493581)

Labcorp Genetics (formerly Invitae), Labcorp
Classification: Uncertain significance for RASopathy. Last evaluated: 2023-04-11. Review status: criteria provided, single submitter. Criteria: Invitae Variant Classification Sherloc (09022015). Collection method: clinical testing. Allele origin: germline.
Comment: This sequence change replaces arginine, which is basic and polar, with glutamine, which is neutral and polar, at codon 53 of the MAP2K2 protein (p.Arg53Gln). In summary, the available evidence is currently insufficient to determine the role of this variant in disease. Therefore, it has been classified as a Variant of Uncertain Significance. Advanced modeling of protein sequence and biophysical properties (such as structural, functional, and spatial information, amino acid conservation, physicochemical variation, residue mobility, and thermodynamic stability) has been performed at Invitae for this missense variant, however the output from this modeling did not meet the statistical confidence thresholds required to predict the impact of this variant on MAP2K2 protein function. ClinVar contains an entry for this variant (Variation ID: 2048201). This variant has not been reported in the literature in individuals affected with MAP2K2-related conditions. This variant is not present in population databases (gnomAD no frequency).